The following is an entry in ClinVar:

ClinVar aggregate classification (germline): Uncertain significance (1 of 4 stars; one submission).

Allele frequency attached by ClinVar (database versions not stated): gnomAD 0.00001; TOPMed 0.00001; gnomAD exomes 0.00004.
gnomAD v4.1: 7 of 1,496,082 alleles (0.00047%); highest among the groups gnomAD compares: Admixed American, 0.013%; no homozygotes.

Submission:

Labcorp Genetics (formerly Invitae), Labcorp
Classification: Uncertain significance. Last evaluated: 2022-10-12. Review status: criteria provided, single submitter. Criteria: Invitae Variant Classification Sherloc (09022015). Collection method: clinical testing. Allele origin: germline.
Comment: This variant has not been reported in the literature in individuals affected with RETREG1-related conditions. In summary, the available evidence is currently insufficient to determine the role of this variant in disease. Therefore, it has been classified as a Variant of Uncertain Significance. Algorithms developed to predict the effect of missense changes on protein structure and function are either unavailable or do not agree on the potential impact of this missense change (SIFT: "Tolerated"; PolyPhen-2: "Not Available"; Align-GVGD: "Class C0"). ClinVar contains an entry for this variant (Variation ID: 847703). The frequency data for this variant in the population databases is considered unreliable, as metrics indicate poor data quality at this position in the gnomAD database. This sequence change replaces proline, which is neutral and non-polar, with threonine, which is neutral and polar, at codon 34 of the RETREG1 protein (p.Pro34Thr).

NM_001034850.3(RETREG1):c.100C>A (p.Pro34Thr)

Genes: RETREG1 (reticulophagy regulator 1; minus strand), RETREG1-AS1 (RETREG1 antisense RNA 1; plus strand), LOC129993734 (ATAC-STARR-seq lymphoblastoid silent region 15947; plus strand). Cytogenetic location: 5p15.1.
Variant type: single nucleotide variant.
Coding change: c.100C>A on transcript NM_001034850.3 (MANE Select); coding-DNA position 100, C replaced by A.
Protein change: p.Pro34Thr; replaces proline 34 with threonine.
Molecular consequence: missense variant.
Genome position (GRCh38, 1-based): chr5:16,616,872, G>T on the plus strand (C>A on the coding strand, the complement: RETREG1 is on the minus strand). VCF-style: chr5-16616872-G-T. GRCh37 (hg19) VCF-style: chr5-16616981-G-T.
Other names: short protein forms P34T.
Identifiers: ClinVar variation 847703 (VCV000847703.10), dbSNP rs1320217144, ClinGen allele CA359293023.